The following is an entry in ClinVar:

NM_002907.4(RECQL):c.933A>C (p.Arg311Ser)

Gene: RECQL (RecQ like helicase; minus strand). Cytogenetic location: 12p12.1.
Variant type: single nucleotide variant.
Coding change: c.933A>C on transcript NM_002907.4 (MANE Select); coding-DNA position 933, A replaced by C.
Protein change: p.Arg311Ser; replaces arginine 311 with serine.
Molecular consequence: missense variant.
Genome position (GRCh38, 1-based): chr12:21,476,927, T>G on the plus strand (A>C on the coding strand, the complement: RECQL is on the minus strand). VCF-style: chr12-21476927-T-G. GRCh37 (hg19) VCF-style: chr12-21629861-T-G.
Other names: c.933A>C, p.Arg311Ser (NM_032941.3); short protein forms R311S.
Identifiers: ClinVar variation 1766610 (VCV001766610.2), dbSNP rs1565565568, ClinGen allele CA384122891.

ClinVar aggregate classification (germline): Uncertain significance (1 of 4 stars; one submission).

Submission:

Ambry Genetics
Classification: Uncertain significance. Last evaluated: 2021-10-17. Review status: criteria provided, single submitter. Criteria: Ambry Variant Classification Scheme 2023. Collection method: clinical testing. Allele origin: germline.
Comment: The p.R311S variant (also known as c.933A>C), located in coding exon 7 of the RECQL gene, results from an A to C substitution at nucleotide position 933. The arginine at codon 311 is replaced by serine, an amino acid with dissimilar properties. This amino acid position is conserved. In addition, the in silico prediction for this alteration is inconclusive. Since supporting evidence is limited at this time, the clinical significance of this alteration remains unclear.